The following is an entry in ClinVar:

ClinVar aggregate classification (germline): Likely benign. Review status: criteria provided, single submitter (1 of 4 stars). 2 submissions from 2 submitters: Likely benign (1). 1 of the submissions does not count toward it. Last evaluated 2025-11-10.

Conditions:
NTRK2-related disorder. Also called: NTRK2-related condition.

Submissions (2):

Labcorp Genetics (formerly Invitae), Labcorp
Classification: Likely benign. Last evaluated: 2025-11-10. Review status: criteria provided, single submitter. Criteria: Invitae Variant Classification Sherloc (09022015). Collection method: clinical testing. Allele origin: germline.

PreventionGenetics, part of Exact Sciences
Classification: Likely benign for NTRK2-related condition. Last evaluated: 2019-12-09. Review status: no assertion criteria provided. Collection method: clinical testing. Allele origin: germline. Not counted in ClinVar's aggregate classification.
Comment: This variant is classified as likely benign based on ACMG/AMP sequence variant interpretation guidelines (Richards et al. 2015 PMID: 25741868, with internal and published modifications).

NM_006180.6(NTRK2):c.1917G>A (p.Gly639=)

Gene: NTRK2 (neurotrophic receptor tyrosine kinase 2; plus strand). Cytogenetic location: 9q21.33.
Variant type: single nucleotide variant.
Coding change: c.1917G>A on transcript NM_006180.6 (MANE Select); coding-DNA position 1917, G replaced by A.
Protein change: p.Gly639=; no amino-acid change (glycine 639 retained).
Molecular consequence: synonymous variant.
Genome position (GRCh38, 1-based): chr9:84,948,614, G>A. VCF-style: chr9-84948614-G-A. GRCh37 (hg19) VCF-style: chr9-87563529-G-A.
Other names: c.1869G>A, p.Gly623= (NM_001018064.3, NM_001369532.1, NM_001369533.1); c.1833G>A, p.Gly611= (NM_001369534.1); c.1401G>A, p.Gly467= (NM_001369535.1); c.1449G>A, p.Gly483= (NM_001369536.1).
Identifiers: ClinVar variation 3356001 (VCV003356001.2).